The following is an entry in ClinVar:

ClinVar aggregate classification (germline): Pathogenic. Review status: criteria provided, multiple submitters, no conflicts (2 of 4 stars). 2 submissions from 2 submitters: Pathogenic (2). Last evaluated 2024-06-21.

Conditions:
Polymicrogyria with or without vascular-type Ehlers-Danlos syndrome. Identifiers: Orphanet 636941, MedGen C5193040, MONDO:0032688, OMIM 618343.
Ehlers-Danlos syndrome, type 4 (EDSVASC). Also called: Ehlers-Danlos syndrome vascular type; Ehlers Danlos syndrome, ecchymotic type; Ehlers Danlos syndrome, arterial type; Ehlers Danlos syndrome, Sack-Barabas type; Ehlers-Danlos Syndrome Type IV. Identifiers: Orphanet 286, MedGen C0268338, MONDO:0017314, OMIM 130050.

Submissions (2):

Labcorp Genetics (formerly Invitae), Labcorp
Classification: Pathogenic for Ehlers-Danlos syndrome, type 4. Last evaluated: 2024-06-21. Review status: criteria provided, single submitter. Criteria: Invitae Variant Classification Sherloc (09022015). Collection method: clinical testing. Allele origin: germline.
Comment: This sequence change replaces glycine, which is neutral and non-polar, with arginine, which is basic and polar, at codon 195 of the COL3A1 protein (p.Gly195Arg). This variant is not present in population databases (gnomAD no frequency). This missense change has been observed in individual(s) with clinical features of Ehlers-Danlos syndrome, type IV (PMID: 24922459; Invitae). In at least one individual the variant was observed to be de novo. ClinVar contains an entry for this variant (Variation ID: 74348). Experimental studies and prediction algorithms are not available or were not evaluated, and the functional significance of this variant is currently unknown. This variant disrupts the triple helix domain of COL3A1. Glycine residues within the Gly-Xaa-Yaa repeats of the triple helix domain are required for the structure and stability of fibrillar collagens (PMID: 7695699, 8218237, 19344236). In COL3A1, variants that affect these glycine residues are significantly enriched in individuals with disease (PMID: 24922459, 25758994) compared to the general population (ExAC). For these reasons, this variant has been classified as Pathogenic.

Groupe Hospitalier Pitie Salpetriere, Uf Genomique Du Developpement, Assistance Publique Hopitaux de Paris Sorbonne Université
Classification: Pathogenic for Polymicrogyria with or without vascular-type Ehlers-Danlos syndrome. Last evaluated: 2024-02-01. Review status: criteria provided, single submitter. Criteria: ACMG Guidelines, 2015. Collection method: clinical testing. Allele origin: germline. Affected: yes.
Comment: This variant is located in a mutational hot spot and or critical functional domain without benign variation (PM1), absent or extremely rare in population databases (PM2_supp), for recessive disorders detected in trans with a pathogenic variant (PM3), a novel missense change at an amino acid residue where a different pathogenic missense change has been seen before (PM5), multiple lines of computational evidence support a deleterious effect on the gene or gene product (PP3) and reported as pathogenic by a reputable source though evidence isnt available for independent evaluation (PP5)

Literature cited by the submitters: PubMed 24922459 (cited by Labcorp Genetics (formerly Invitae), Labcorp); PubMed 7695699 (cited by Labcorp Genetics (formerly Invitae), Labcorp); PubMed 8218237 (cited by Labcorp Genetics (formerly Invitae), Labcorp); PubMed 19344236 (cited by Labcorp Genetics (formerly Invitae), Labcorp); PubMed 25758994 (cited by Labcorp Genetics (formerly Invitae), Labcorp).

NM_000090.4(COL3A1):c.583G>A (p.Gly195Arg)

Gene: COL3A1 (collagen type III alpha 1 chain; plus strand). Cytogenetic location: 2q32.2.
Variant type: single nucleotide variant.
Coding change: c.583G>A on transcript NM_000090.4 (MANE Select); coding-DNA position 583, G replaced by A.
Protein change: p.Gly195Arg; replaces glycine 195 with arginine.
Molecular consequence: missense variant.
Genome position (GRCh38, 1-based): chr2:188,988,590, G>A. VCF-style: chr2-188988590-G-A. GRCh37 (hg19) VCF-style: chr2-189853316-G-A.
Other names: short protein forms G195R.
Identifiers: ClinVar variation 74348 (VCV000074348.11), dbSNP rs267599120, ClinGen allele CA62588603.